The following is an entry in ClinVar:

ClinVar aggregate classification (germline): Uncertain significance (1 of 4 stars; one submission).

Conditions:
MPDZ-related disorder. Also called: MPDZ-related condition.

gnomAD v4.1: 5 of 152,178 alleles (0.0033%); highest among the groups gnomAD compares: Non-Finnish European, 0.0073%; no homozygotes.

Submission:

PreventionGenetics, part of Exact Sciences
Classification: Uncertain significance for MPDZ-related condition. Last evaluated: 2025-10-24. Review status: criteria provided, single submitter. Criteria: ACMG Guidelines, 2015. Collection method: clinical testing. Allele origin: germline.
Comment: The MPDZ c.4200+390G>C variant is predicted to interfere with splicing. This variant is predicted to impact splicing based on available splicing prediction programs (SpliceAI, Jaganathan et al. 2019. PubMed ID: 30661751). To our knowledge, this variant has not been reported in the literature. This variant is reported in 0.032% of alleles in individuals of European (Non-Finnish) descent in gnomAD. At this time, the clinical significance of this variant is uncertain due to the absence of conclusive functional and genetic evidence.

NM_001378778.1(MPDZ):c.4200+390G>C

Gene: MPDZ (multiple PDZ domain crumbs cell polarity complex component; minus strand). Cytogenetic location: 9p23.
Variant type: single nucleotide variant.
Coding change: c.4200+390G>C on transcript NM_001378778.1 (MANE Select); 390 bases into the intron after coding-DNA position 4200, G replaced by C.
Molecular consequence: intron variant.
Genome position (GRCh38, 1-based): chr9:13,137,567, C>G on the plus strand (G>C on the coding strand, the complement: MPDZ is on the minus strand). VCF-style: chr9-13137567-C-G. GRCh37 (hg19) VCF-style: chr9-13137566-C-G.
Other names: c.3990+390G>C (NM_001375425.1, NM_001375420.1, NM_001375423.1 and 4 more transcripts); c.4101+390G>C (NM_001375419.1, NM_001375416.1, NM_001375418.1 and 3 more transcripts); c.4200+390G>C (NM_001330637.2, NM_003829.5, NM_001375413.1); c.3792+390G>C (NM_001375427.1).
Identifiers: ClinVar variation 4993895 (VCV004993895.1).